The following is an entry in ClinVar:

ClinVar aggregate classification (germline): Uncertain significance (1 of 4 stars; one submission).

Conditions:
Familial thoracic aortic aneurysm and aortic dissection (TAAD). Also called: Thoracic aortic aneurysms and dissections. Identifiers: Orphanet 91387, MedGen C4707243, MONDO:0019625.
Hereditary cancer-predisposing syndrome. Also called: Neoplastic Syndromes, Hereditary; Tumor predisposition; Hereditary neoplastic syndrome; Hereditary Cancer Syndrome. Identifiers: Orphanet 140162, MedGen C0027672, MeSH D009386, MONDO:0015356.

Submission:

Ambry Genetics
Classification: Uncertain significance for Hereditary cancer-predisposing syndrome; Familial thoracic aortic aneurysm and aortic dissection. Last evaluated: 2023-01-12. Review status: criteria provided, single submitter. Criteria: Ambry Variant Classification Scheme 2023. Collection method: clinical testing. Allele origin: germline.
Comment: The p.G243R variant (also known as c.727G>A), located in coding exon 5 of the SMAD4 gene, results from a G to A substitution at nucleotide position 727. The glycine at codon 243 is replaced by arginine, an amino acid with dissimilar properties. This amino acid position is conserved. In addition, the in silico prediction for this alteration is inconclusive. Since supporting evidence is limited at this time, the clinical significance of this alteration remains unclear.

NM_005359.6(SMAD4):c.727G>A (p.Gly243Arg)

Gene: SMAD4 (SMAD family member 4; plus strand). Cytogenetic location: 18q21.2.
Variant type: single nucleotide variant.
Coding change: c.727G>A on transcript NM_005359.6 (MANE Select); coding-DNA position 727, G replaced by A.
Protein change: p.Gly243Arg; replaces glycine 243 with arginine.
Molecular consequence: missense variant. On other transcripts: non-coding transcript variant (2).
Genome position (GRCh38, 1-based): chr18:51,058,184, G>A. VCF-style: chr18-51058184-G-A. GRCh37 (hg19) VCF-style: chr18-48584554-G-A.
Other names: c.727G>A, p.Gly243Arg (NM_001407041.1, NM_001407042.1, NM_001407043.1); short protein forms G243R.
Identifiers: ClinVar variation 2452516 (VCV002452516.2), dbSNP rs2144427157, ClinGen allele CA402462845.